The following is an entry in ClinVar:

ClinVar aggregate classification (germline): Pathogenic/Likely pathogenic. Review status: criteria provided, multiple submitters, no conflicts (2 of 4 stars). 3 submissions from 3 submitters: Pathogenic (2); Likely pathogenic (1). Last evaluated 2024-05-06.

Conditions:
Hereditary cancer-predisposing syndrome. Also called: Hereditary Cancer Syndrome; Neoplastic Syndromes, Hereditary; Tumor predisposition; Hereditary neoplastic syndrome. Identifiers: Orphanet 140162, MedGen C0027672, MeSH D009386, MONDO:0015356.
Nijmegen breakage syndrome-like disorder (NBSLD). Also called: MICROCEPHALY AND SPONTANEOUS CHROMOSOME INSTABILITY WITHOUT IMMUNODEFICIENCY; NBS-LIKE DISORDER; RAD50 DEFICIENCY. Identifiers: Orphanet 240760, MedGen C2751318, MONDO:0013118, OMIM 613078.

Allele frequency attached by ClinVar (database versions not stated): TOPMed below 0.00001.

Submissions (3):

Labcorp Genetics (formerly Invitae), Labcorp
Classification: Pathogenic for Hereditary cancer-predisposing syndrome. Last evaluated: 2024-05-06. Review status: criteria provided, single submitter. Criteria: Invitae Variant Classification Sherloc (09022015). Collection method: clinical testing. Allele origin: germline.
Comment: This sequence change creates a premature translational stop signal (p.Glu772Lysfs*7) in the RAD50 gene. It is expected to result in an absent or disrupted protein product. Loss-of-function variants in RAD50 are known to be pathogenic (PMID: 19409520). This variant is not present in population databases (gnomAD no frequency). This variant has not been reported in the literature in individuals affected with RAD50-related conditions. ClinVar contains an entry for this variant (Variation ID: 480433). For these reasons, this variant has been classified as Pathogenic.

Baylor Genetics
Classification: Likely pathogenic for Nijmegen breakage syndrome-like disorder. Last evaluated: 2022-08-29. Review status: criteria provided, single submitter. Criteria: ACMG Guidelines, 2015. Collection method: clinical testing. Allele origin: unknown.

Ambry Genetics
Classification: Pathogenic for Hereditary cancer-predisposing syndrome. Last evaluated: 2020-07-22. Review status: criteria provided, single submitter. Criteria: Ambry Variant Classification Scheme 2023. Collection method: clinical testing. Allele origin: germline.
Comment: The c.2314delG pathogenic mutation, located in coding exon 14 of the RAD50 gene, results from a deletion of one nucleotide at nucleotide position 2314, causing a translational frameshift with a predicted alternate stop codon (p.E772Kfs*7). This alteration is expected to result in loss of function by premature protein truncation or nonsense-mediated mRNA decay. As such, this alteration is interpreted as a disease-causing mutation.

Literature cited by the submitters: PubMed 19409520 (cited by Labcorp Genetics (formerly Invitae), Labcorp).

NM_005732.4(RAD50):c.2314del (p.Glu772fs)

Gene: RAD50 (RAD50 double strand break repair protein; plus strand). Cytogenetic location: 5q31.1.
Variant type: Deletion.
Coding change: c.2314del on transcript NM_005732.4 (MANE Select); coding-DNA position 2314, one base deleted (G; older notation c.2314delG).
Protein change: p.Glu772fs; shifts the reading frame from glutamic acid 772.
Molecular consequence: frameshift variant.
Genome position (GRCh38, 1-based): chr5:132,603,406, G deleted. VCF-style (leftmost placement, unchanged base first): chr5-132603405-AG-A. GRCh37 (hg19) VCF-style: chr5-131939097-AG-A.
Other names: c.2314delG (NM_005732.3); short protein forms E772fs.
Identifiers: ClinVar variation 480433 (VCV000480433.14), dbSNP rs1554099106, ClinGen allele CA658657518.